The following is an entry in ClinVar:

NM_006218.4(PIK3CA):c.152A>G (p.Lys51Arg)

Gene: PIK3CA (phosphatidylinositol-4,5-bisphosphate 3-kinase catalytic subunit alpha; plus strand). Cytogenetic location: 3q26.32.
Variant type: single nucleotide variant.
Coding change: c.152A>G on transcript NM_006218.4 (MANE Select); coding-DNA position 152, A replaced by G.
Protein change: p.Lys51Arg; replaces lysine 51 with arginine.
Molecular consequence: missense variant.
Genome position (GRCh38, 1-based): chr3:179,198,977, A>G. VCF-style: chr3-179198977-A-G. GRCh37 (hg19) VCF-style: chr3-178916765-A-G.
Other names: short protein forms K51R.
Identifiers: ClinVar variation 1774583 (VCV001774583.2), dbSNP rs1724337761, ClinGen allele CA355271341.
Genomic context (GRCh38, chr3:179,198,977, plus strand): 5'-TAGTGACTTTAGAATGCCTCCGTGAGGCTACATTAATAACCATAAAGCATGAACTATTTA[A>G]AGAAGCAAGAAAATACCCCCTCCATCAACTTCTTCAAGATGAATCTTCTTACATTTTCGT-3'
Protein context (NP_006209.2, residues 41-61): TLITIKHELF[Lys51Arg]EARKYPLHQL

ClinVar aggregate classification (germline): Uncertain significance (1 of 4 stars; one submission).

Conditions:
Inborn genetic diseases. Identifiers: MedGen C0950123, MeSH D030342.

Allele frequency attached by ClinVar (database versions not stated): TOPMed 0.00001.

Submission:

Ambry Genetics
Classification: Uncertain significance for Inborn genetic diseases. Last evaluated: 2021-08-05. Review status: criteria provided, single submitter. Criteria: Ambry Variant Classification Scheme 2023. Collection method: clinical testing. Allele origin: germline.
Comment: The p.K51R variant (also known as c.152A>G), located in coding exon 1 of the PIK3CA gene, results from an A to G substitution at nucleotide position 152. The lysine at codon 51 is replaced by arginine, an amino acid with highly similar properties. This amino acid position is conserved. In addition, this alteration is predicted to be tolerated by in silico analysis. Since supporting evidence is limited at this time, the clinical significance of this alteration remains unclear.